The following is an entry in ClinVar:

NM_016239.4(MYO15A):c.2444G>T (p.Arg815Leu)

Gene: MYO15A (myosin XVA; plus strand). Cytogenetic location: 17p11.2.
Variant type: single nucleotide variant.
Coding change: c.2444G>T on transcript NM_016239.4 (MANE Select); coding-DNA position 2444, G replaced by T.
Protein change: p.Arg815Leu; replaces arginine 815 with leucine.
Molecular consequence: missense variant.
Genome position (GRCh38, 1-based): chr17:18,121,244, G>T. VCF-style: chr17-18121244-G-T. GRCh37 (hg19) VCF-style: chr17-18024558-G-T.
Other names: short protein forms R815L.
Identifiers: ClinVar variation 3401261 (VCV003401261.2).

ClinVar aggregate classification (germline): Uncertain significance. Review status: criteria provided, multiple submitters, no conflicts (2 of 4 stars). 2 submissions from 2 submitters: Uncertain significance (2). Last evaluated 2025-04-09.

Conditions:
MYO15A-related disorder. Also called: MYO15A-related condition.
Inborn genetic diseases. Identifiers: MedGen C0950123, MeSH D030342.

gnomAD v4.1: 22 of 1,473,786 alleles (0.0015%); highest among the groups gnomAD compares: Non-Finnish European, 0.0017%; no homozygotes.

Submissions (2):

PreventionGenetics, part of Exact Sciences
Classification: Uncertain significance for MYO15A-related condition. Last evaluated: 2025-04-09. Review status: criteria provided, single submitter. Criteria: ACMG Guidelines, 2015. Collection method: clinical testing. Allele origin: germline.
Comment: The MYO15A c.2444G>T variant is predicted to result in the amino acid substitution p.Arg815Leu. To our knowledge, this variant has not been reported in the literature. This variant is reported in 0.0053% of alleles in individuals of Latino descent in gnomAD. At this time, the clinical significance of this variant is uncertain due to the absence of conclusive functional and genetic evidence.

Ambry Genetics
Classification: Uncertain significance for Inborn genetic diseases. Last evaluated: 2024-10-29. Review status: criteria provided, single submitter. Criteria: Ambry Variant Classification Scheme 2023. Collection method: clinical testing. Allele origin: germline.